The following is an entry in ClinVar:

ClinVar aggregate classification (germline): Conflicting classifications of pathogenicity. Review status: criteria provided, conflicting classifications (1 of 4 stars). 16 submissions from 16 submitters: Uncertain significance (10); Likely benign (5). 1 of the submissions does not count toward it. Last evaluated 2026-01-20.

Conditions:
APC-related disorder. Also called: APC-related condition.
Classic or attenuated familial adenomatous polyposis. Identifiers: MedGen CN372698, MONDO:0021057.
Hereditary cancer-predisposing syndrome. Also called: Tumor predisposition; Neoplastic Syndromes, Hereditary; Hereditary neoplastic syndrome; Hereditary Cancer Syndrome. Identifiers: Orphanet 140162, MedGen C0027672, MeSH D009386, MONDO:0015356.
Desmoid disease, hereditary (DESMD). Also called: FIBROMATOSIS, FAMILIAL INFILTRATIVE. Identifiers: Orphanet 873, MedGen C1851124, OMIM 135290. Disease mechanism: loss of function.
Familial adenomatous polyposis 1 (FAP1). Also called: FAMILIAL ADENOMATOUS POLYPOSIS 1, ATTENUATED; POLYPOSIS, ADENOMATOUS INTESTINAL. Identifiers: MedGen C2713442, MONDO:0021056, OMIM 175100. Disease mechanism: loss of function.
Colorectal cancer, susceptibility to. Identifiers: MedGen C1858438.

Allele frequency attached by ClinVar (database versions not stated): gnomAD 0.00006 and 0.00008; gnomAD exomes 0.00006; TOPMed 0.00006; ExAC 0.00011; ESP Exome Variant Server 0.00015.
gnomAD v4.1: 157 of 1,613,866 alleles (0.0097%); highest among the groups gnomAD compares: Non-Finnish European, 0.012%; no homozygotes.

Submissions (16):

Labcorp Genetics (formerly Invitae), Labcorp
Classification: Likely benign for Familial adenomatous polyposis 1. Last evaluated: 2026-01-20. Review status: criteria provided, single submitter. Criteria: Invitae Variant Classification Sherloc (09022015). Collection method: clinical testing. Allele origin: germline.

Center for Genomic Medicine, Rigshospitalet, Copenhagen University Hospital
Classification: Likely benign. Last evaluated: 2025-12-29. Review status: criteria provided, single submitter. Criteria: ACMG Guidelines, 2015. Collection method: clinical testing. Allele origin: germline.
Comment: Classification criteria: BS1, BP1

Color Diagnostics, LLC DBA Color Health
Classification: Likely benign for Hereditary cancer-predisposing syndrome. Last evaluated: 2025-02-10. Review status: criteria provided, single submitter. Criteria: ACMG Guidelines, 2015. Collection method: clinical testing. Allele origin: germline.

PreventionGenetics, part of Exact Sciences
Classification: Uncertain significance for APC-related condition. Last evaluated: 2025-02-05. Review status: criteria provided, single submitter. Criteria: ACMG Guidelines, 2015. Collection method: clinical testing. Allele origin: germline.
Comment: The APC c.6679G>T variant is predicted to result in the amino acid substitution p.Gly2227Cys. This variant has been reported in individuals with suspected Lynch syndrome, colorectal cancer, ductal carcinoma in situ (DCIS), and breast cancer (Yurgelun et al. 2015. PubMed ID: 25980754, supplemental table 2; Gordon et al. 2019. PubMed ID: 31422818; Shirts et al. 2016. PubMed ID: 26845104, supplemental table 2, Tung et al. 2014. PubMed ID: 25186627). This variant is reported in 0.011% of alleles in individuals of European (Non-Finnish) descent in gnomAD, and in ClinVar, it has conflicting interpretations of likely benign and uncertain significance. At this time, the clinical significance of this variant is uncertain due to the absence of conclusive functional and genetic evidence.

All of Us Research Program, National Institutes of Health
Classification: Uncertain significance for Classic or attenuated familial adenomatous polyposis. Last evaluated: 2024-09-11. Review status: criteria provided, single submitter. Criteria: ACMG Guidelines, 2015. Collection method: clinical testing. Allele origin: germline. Inheritance: Autosomal dominant inheritance. Observed: 25 variant alleles, 25 heterozygotes.
Comment: This missense variant replaces glycine with cysteine at codon 2227 of the APC protein. Computational prediction is inconclusive regarding the impact of this variant on protein structure and function (internally defined REVEL score threshold 0.5 < inconclusive < 0.7, PMID: 27666373). To our knowledge, functional studies have not been reported for this variant. This variant not been reported in individuals affected with suspected Lynch syndrome, ovarian cancer, and ductal carcinoma in situ (PMID: 24448499, 25980754, 26845104) This variant has been identified in 19/281490 chromosomes in the general population by the Genome Aggregation Database (gnomAD). The available evidence is insufficient to determine the role of this variant in disease conclusively. Therefore, this variant is classified as a Variant of Uncertain Significance.

This study involves interpretation of variants in research participants for the purpose of population health screening. Participant phenotype was not available at the time of variant classification. Additional details can be found in publication PMID: 35346344, PMCID: PMC8962531

GeneDx
Classification: Uncertain significance. Last evaluated: 2023-11-08. Review status: criteria provided, single submitter. Criteria: GeneDx Variant Classification Process June 2021. Collection method: clinical testing. Allele origin: germline. Affected: yes.
Comment: In silico analysis supports that this missense variant has a deleterious effect on protein structure/function; Observed in individuals with breast cancer, ovarian cancer, or Lynch syndrome associated cancers and/or polyps (PMID: 25186627, 25980754, 26845104); This variant is associated with the following publications: (PMID: 25980754, 26845104, 24448499, 29641532, 24618431, 27930734, 25186627, 18199528, 31422818)

Myriad Genetics, Inc.
Classification: Uncertain significance for Familial adenomatous polyposis 1. Last evaluated: 2023-02-17. Review status: criteria provided, single submitter. Criteria: Myriad Autosomal Dominant, Autosomal Recessive and X-Linked Classification Criteria (2023). Collection method: clinical testing. Allele origin: unknown.
Comment: This variant is classified as a variant of uncertain significance as there is insufficient evidence to determine its impact on protein function and/or cancer risk.

Department of Pathology and Laboratory Medicine, Sinai Health System
Classification: Uncertain significance for Familial adenomatous polyposis 1; Desmoid disease, hereditary. Last evaluated: 2022-05-05. Review status: criteria provided, single submitter. Criteria: ACMG Guidelines, 2015. Collection method: clinical testing. Allele origin: germline. Affected: yes.

Sema4
Classification: Uncertain significance for Hereditary cancer-predisposing syndrome. Last evaluated: 2021-11-09. Review status: criteria provided, single submitter. Criteria: Sema4 Curation Guidelines. Collection method: curation. Allele origin: germline.
Comment: The APC c.6679G>T (p.G2227C) variant has been reported in individuals with breast cancer, ovarian cancer, and Lynch syndrome-associated cancer and/or polyps (PMID: 26845104, 25980754, 25186627). It was observed in 14/128562 chromosomes of the Non-Finnish European subpopulation, with no homozygotes, in the large and broad cohorts of the Genome Aggregation Database (PMID: 32461654). The variant has been reported in ClinVar (Variation ID 142457). In silico tools suggest the impact of the variant on protein function is deleterious, though these predictions have not been confirmed by functional studies. The evidence is insufficient to meet ACMG/AMP criteria for classifying the variant as benign or pathogenic. Thus, the clinical significance of this variant is currently uncertain.

St. Jude Molecular Pathology, St. Jude Children's Research Hospital
Classification: Uncertain significance for Familial adenomatous polyposis 1. Last evaluated: 2021-07-29. Review status: criteria provided, single submitter. Criteria: St. Jude Assertion Criteria 2020. Collection method: clinical testing. Allele origin: germline.
Comment: The APC c.6679G>T (p.Gly2227Cys) missense change has a maximum subpopulation frequency of 0.011% in gnomAD v2.1.1. Six of six in silico tools predict a deleterious effect of this variant on protein function (PP3), but to our knowledge these predictions have not been confirmed by functional assays. This variant has been reported in individuals with suspected Lynch syndrome (PMID: 25980754) and breast cancer (PMID: 25186627, 26845104). In summary, this variant meets criteria to be classified as of uncertain significance based on the ACMG/AMP criteria: PP3.

Women's Health and Genetics/Laboratory Corporation of America, LabCorp
Classification: Likely benign. Last evaluated: 2020-12-25. Review status: criteria provided, single submitter. Criteria: LabCorp Variant Classification Summary - May 2015. Collection method: clinical testing. Allele origin: germline.
Comment: Variant summary: APC c.6679G>T (p.Gly2227Cys) results in a non-conservative amino acid change located in the Adenomatous polyposis coli protein basic domain (IPR009234) of the encoded protein sequence. Five of five in-silico tools predict a damaging effect of the variant on protein function. The variant allele was found at a frequency of 6.8e-05 in 251206 control chromosomes, predominantly at a frequency of 0.00011 within the Non-Finnish European subpopulation in the gnomAD database. The observed variant frequency within Non-Finnish European control individuals in the gnomAD database is approximately 1.5 fold of the estimated maximal expected allele frequency for a pathogenic variant in APC causing Familial Adenomatous Polyposis phenotype (7.1e-05), strongly suggesting that the variant is a benign polymorphism found primarily in populations of Non-Finnish European origin. c.6679G>T has been reported in the literature in various settings of individuals undergoing multigene cancer testing (example, He_2016, Puri_2014, Shirts_2015, Yurgelun_2015, Tung_2015, Gordon_2019). These report(s) do not provide unequivocal conclusions about association of the variant with Familial Adenomatous Polyposis. To our knowledge, no experimental evidence demonstrating an impact on protein function has been reported. Nine clinical diagnostic laboratories have submitted clinical-significance assessments for this variant to ClinVar after 2014 without evidence for independent evaluation. Multiple laboratories reported the variant with conflicting assessments (likely benign, n=2, VUS, n=7). Based on the absence of any evidence supporting an actionable outcome spanning 5 years of review as outlined above, the variant was re-classified as likely benign.

Ambry Genetics
Classification: Likely benign for Hereditary cancer-predisposing syndrome. Last evaluated: 2018-11-14. Review status: criteria provided, single submitter. Criteria: Ambry Variant Classification Scheme 2023. Collection method: clinical testing. Allele origin: germline.

Quest Diagnostics Nichols Institute San Juan Capistrano
Classification: Uncertain significance. Last evaluated: 2017-04-07. Review status: criteria provided, single submitter. Criteria: Quest Diagnostics criteria. Collection method: clinical testing. Allele origin: germline.

Laboratory for Molecular Medicine, Mass General Brigham Personalized Medicine
Classification: Uncertain significance. Last evaluated: 2016-12-21. Review status: criteria provided, single submitter. Criteria: LMM Criteria. Collection method: clinical testing. Allele origin: germline. Observed: 2 variant alleles.
Comment: The p.Gly2227Cys variant in APC has been reported in 2 individuals who underwent genetic testing for Lynch syndrome (Yurgelun 2015) and has also been reported i n ClinVar (Variation ID 142457). In addition, it has been identified in 13/12629 4 of European chromosomes by the Genome Aggregation Database (gnomAD; dbSNP rs367905430). Computational prediction tools and c onservation analysis suggest that the p.Gly2227Cys variant may impact the protei n, though this information is not predictive enough to determine pathogenicity. In summary, the clinical significance of the p.Gly2227Cys variant is uncertain.

University of Washington Department of Laboratory Medicine, University of Washington
Classification: Uncertain significance for Colorectal cancer, susceptibility to. Last evaluated: 2015-11-20. Review status: criteria provided, single submitter. Criteria: Shirts et al. (Genet Med 2016). Collection method: clinical testing. Allele origin: germline. Affected: no. Observed: 1 variant allele.

Counsyl
Classification: Uncertain significance for Familial adenomatous polyposis 1. Last evaluated: 2016-08-26. Review status: no assertion criteria provided. Collection method: clinical testing. Allele origin: unknown. Not counted in ClinVar's aggregate classification.

Literature cited by the submitters: PubMed 24448499 (cited by All of Us Research Program, National Institutes of Health and Women's Health and Genetics/Laboratory Corporation of America, LabCorp); PubMed 25980754 (cited by 6 submitters); PubMed 26845104 (cited by 4 submitters); PubMed 27930734 (cited by Department of Pathology and Laboratory Medicine, Sinai Health System and Women's Health and Genetics/Laboratory Corporation of America, LabCorp); PubMed 25186627 (cited by Sema4 and Women's Health and Genetics/Laboratory Corporation of America, LabCorp); PubMed 24618431 (cited by Women's Health and Genetics/Laboratory Corporation of America, LabCorp); PubMed 31422818 (cited by Women's Health and Genetics/Laboratory Corporation of America, LabCorp).

NM_000038.6(APC):c.6679G>T (p.Gly2227Cys)

Gene: APC (APC regulator of Wnt signaling pathway; plus strand). Cytogenetic location: 5q22.2.
Variant type: single nucleotide variant.
Coding change: c.6679G>T on transcript NM_000038.6 (MANE Select); coding-DNA position 6679, G replaced by T.
Protein change: p.Gly2227Cys; replaces glycine 2227 with cysteine.
Molecular consequence: missense variant.
Genome position (GRCh38, 1-based): chr5:112,842,273, G>T. VCF-style: chr5-112842273-G-T. GRCh37 (hg19) VCF-style: chr5-112177970-G-T.
Other names: p.G2227C:GGC>TGC; c.6679G>T, p.Gly2227Cys (NM_001127510.3, NM_001354895.2); c.6625G>T, p.Gly2209Cys (NM_001127511.3); c.6733G>T, p.Gly2245Cys (NM_001354896.2); c.6709G>T, p.Gly2237Cys (NM_001354897.2); c.6604G>T, p.Gly2202Cys (NM_001354898.2); c.6595G>T, p.Gly2199Cys (NM_001354899.2); c.6556G>T, p.Gly2186Cys (NM_001354900.2); and 6 more; short protein forms G2209C, G2227C, G2136C, G2202C, G2067C, G2101C, G2168C, G2186C.
Identifiers: ClinVar variation 142457 (VCV000142457.48), dbSNP rs367905430, ClinGen allele CA012371.